The following is an entry in ClinVar:

NM_001042492.3(NF1):c.1845+1G>C

Gene: NF1 (neurofibromin 1; plus strand). Cytogenetic location: 17q11.2.
Variant type: single nucleotide variant.
Coding change: c.1845+1G>C on transcript NM_001042492.3 (MANE Select); the canonical splice donor site of the intron after coding-DNA position 1845, G replaced by C.
Molecular consequence: splice donor variant.
Genome position (GRCh38, 1-based): chr17:31,223,568, G>C. VCF-style: chr17-31223568-G-C. GRCh37 (hg19) VCF-style: chr17-29550586-G-C.
Other names: c.1845+1G>C (NM_000267.4).
Identifiers: ClinVar variation 3911832 (VCV003911832.2).

ClinVar aggregate classification (germline): Pathogenic. Review status: criteria provided, multiple submitters, no conflicts (2 of 4 stars). 2 submissions from 2 submitters: Pathogenic (2). Last evaluated 2026-06-09.

Conditions:
Neurofibromatosis, type 1 (NF1). Also called: VON RECKLINGHAUSEN DISEASE; NEUROFIBROMATOSIS, TYPE I, SOMATIC; Peripheral type neurofibromatosis; Neurofibromatosis, type I. Identifiers: Orphanet 636, MedGen C0027831, MONDO:0018975, OMIM 162200. Disease mechanism: loss of function.

gnomAD v4.1: 1 of 1,610,812 alleles (0.000062%); highest among the groups gnomAD compares: African/African-American, 0.0013%; no homozygotes.

Submissions (2):

Myriad Genetics, Inc.
Classification: Pathogenic for Neurofibromatosis, type 1. Last evaluated: 2026-06-09. Review status: criteria provided, single submitter. Criteria: Myriad Autosomal Dominant, Autosomal Recessive and X-Linked Classification Criteria (2023). Collection method: clinical testing. Allele origin: unknown.
Comment: This variant is considered pathogenic. This variant occurs within a consensus splice junction and is predicted to result in abnormal mRNA splicing of either an out-of-frame exon or an in-frame exon necessary for protein stability and/or normal function. This variant has been reported in multiple individuals with clinical features of gene-specific disease [PMID: 33877690, 34418705, 35885913, 11292340]. mRNA analysis has demonstrated abnormal mRNA splicing occurs [PMID: 11292340, 26740943].

Laboratory of Genetics, Children's Clinical University Hospital Latvia
Classification: Pathogenic. Last evaluated: 2025-02-16. Review status: criteria provided, single submitter. Criteria: ACMG Guidelines, 2015. Collection method: clinical testing. Allele origin: germline. Affected: yes.

Literature cited by the submitters: PubMed 33877690 (cited by Myriad Genetics, Inc.); PubMed 34418705 (cited by Myriad Genetics, Inc.); PubMed 35885913 (cited by Myriad Genetics, Inc.); PubMed 11292340 (cited by Myriad Genetics, Inc.); PubMed 26740943 (cited by Myriad Genetics, Inc.).